The following is an entry in ClinVar:

ClinVar aggregate classification (germline): Uncertain significance (1 of 4 stars; one submission).

Conditions:
Mucopolysaccharidosis, MPS-IV-A (MPS4A). Also called: Mucopolysaccharidosis type IV A; Mucopolysaccharidosis Type IVA; Morquio syndrome A, mild; MORQUIO SYNDROME A; MPS IVA; mucopolysaccharidosis type 4A. Identifiers: Orphanet 309297, Orphanet 582, MedGen C0086651, MONDO:0009659, OMIM 253000.

gnomAD v4.1: 1 of 1,613,778 alleles (0.000062%); highest among the groups gnomAD compares: Non-Finnish European, 0.000085%; no homozygotes.

Submission:

Laboratory of Diagnosis and Therapy of Lysosomal Disorders, University of Padova
Classification: Uncertain significance for Mucopolysaccharidosis, MPS-IV-A. Last evaluated: 2021-02-01. Review status: criteria provided, single submitter. Criteria: ACMG Guidelines, 2015. Collection method: curation. Allele origin: germline. Affected: yes.
Comment: Very low frequency in gnomAD v2.1.1 (PM2_moderate); multiple lines of computational evidence support a deleterious effect on the gene (PP3_supporting)

Literature cited by the submitters: PubMed 16287098; PubMed 23876334; PubMed 34387910.

NM_000512.5(GALNS):c.975G>T (p.Trp325Cys)

Gene: GALNS (galactosamine (N-acetyl)-6-sulfatase; minus strand). Cytogenetic location: 16q24.3.
Variant type: single nucleotide variant.
Coding change: c.975G>T on transcript NM_000512.5 (MANE Select); coding-DNA position 975, G replaced by T.
Protein change: p.Trp325Cys; replaces tryptophan 325 with cysteine.
Molecular consequence: missense variant.
Genome position (GRCh38, 1-based): chr16:88,832,025, C>A on the plus strand (G>T on the coding strand, the complement: GALNS is on the minus strand). VCF-style: chr16-88832025-C-A. GRCh37 (hg19) VCF-style: chr16-88898433-C-A.
Other names: c.420G>T, p.Trp140Cys (NM_001323543.2); c.993G>T, p.Trp331Cys (NM_001323544.2); short protein forms W140C, W325C, W331C.
Identifiers: ClinVar variation 1048317 (VCV001048317.3), dbSNP rs1269110043, ClinGen allele CA397101092.